The following is an entry in ClinVar:

NM_001009611.4(PRAMEF4):c.486G>A (p.Leu162=)

Gene: PRAMEF4 (PRAME family member 4; minus strand). Cytogenetic location: 1p36.21.
Variant type: single nucleotide variant.
Coding change: c.486G>A on transcript NM_001009611.4 (MANE Select); coding-DNA position 486, G replaced by A.
Protein change: p.Leu162=; no amino-acid change (leucine 162 retained).
Molecular consequence: synonymous variant.
Genome position (GRCh38, 1-based): chr1:12,882,243, C>T on the plus strand (G>A on the coding strand, the complement: PRAMEF4 is on the minus strand). VCF-style: chr1-12882243-C-T. GRCh37 (hg19) VCF-style: chr1-12942064-C-T.
Identifiers: ClinVar variation 3898242 (VCV003898242.7).

ClinVar aggregate classification (germline): Likely benign (1 of 4 stars; one submission).

Submission:

CeGaT Center for Human Genetics Tuebingen
Classification: Likely benign. Last evaluated: 2025-04-01. Review status: criteria provided, single submitter. Criteria: CeGaT Center For Human Genetics Tuebingen Variant Classification Criteria Version 2. Collection method: clinical testing. Allele origin: germline. Affected: yes. Observed: 1 variant allele.
Comment: PRAMEF4: BP4, BP7